The following is an entry in ClinVar:

GRCh38/hg38 2q13-14.1(chr2:110684553-112308202)x1

Genes: ACOXL (acyl-CoA oxidase like; plus strand), ACOXL-AS1 (ACOXL antisense RNA 1; minus strand), ANAPC1 (anaphase promoting complex subunit 1; minus strand), BCL2L11 (BCL2 like 11; plus strand), FBLN7 (fibulin 7; plus strand) and 44 more. Cytogenetic location: 2q13-14.1.
Variant type: copy number loss.
Change: copy number 1 (one copy instead of two) of chr2:110,684,553-112,308,202 (1.62 Mb, GRCh38 coordinates, 1-based), cytogenetic band 2q13-14.1.
Identifiers: ClinVar variation 160844 (VCV000160844.1).

ClinVar aggregate classification (germline): Uncertain significance. Review status: criteria provided, multiple submitters, no conflicts (2 of 4 stars). 2 submissions from 2 submitters: Uncertain significance (2). Last evaluated 2011-08-12.

Submissions (2):

ISCA site 17
Classification: Uncertain significance. Last evaluated: 2011-08-12. Review status: criteria provided, single submitter. Criteria: Kaminsky et al. (Genet Med. 2011). Collection method: clinical testing. Allele origin: unknown. Affected: yes. Observed: 1 variant allele.
Comment: Copy number variation identified through the course of routine clinical cytogenomic testing in postnatal populations. Clinical assertions have been curated as described in Kaminsky et al. 2011.

ISCA site 4
Classification: Uncertain significance. Last evaluated: 2011-08-12. Review status: criteria provided, single submitter. Criteria: Kaminsky et al. (Genet Med. 2011). Collection method: clinical testing. Allele origin: unknown, paternal. Affected: yes. Observed: 4 variant alleles. Clinical features observed: Dysphagia (HP:0002015), Delayed speech and language development (HP:0002116), Pleural effusion (HP:0002202), Respiratory distress (HP:0002098), Esophageal atresia (HP:0002032).
Comment: the same text as in the submission from ISCA site 17 above.